The following is an entry in ClinVar:

NM_007194.4(CHEK2):c.1531G>T (p.Val511Phe)

Gene: CHEK2 (checkpoint kinase 2; minus strand). Cytogenetic location: 22q12.1.
Variant type: single nucleotide variant.
Coding change: c.1531G>T on transcript NM_007194.4 (MANE Select); coding-DNA position 1531, G replaced by T.
Protein change: p.Val511Phe; replaces valine 511 with phenylalanine.
Molecular consequence: missense variant.
Genome position (GRCh38, 1-based): chr22:28,689,146, C>A on the plus strand (G>T on the coding strand, the complement: CHEK2 is on the minus strand). VCF-style: chr22-28689146-C-A. GRCh37 (hg19) VCF-style: chr22-29085134-C-A.
Other names: c.1660G>T, p.Val554Phe (NM_001005735.3); c.868G>T, p.Val290Phe (NM_001257387.3); c.1330G>T, p.Val444Phe (NM_001349956.3); c.1444G>T, p.Val482Phe (NM_145862.3); short protein forms V444F, V482F, V554F, V290F, V511F.
Identifiers: ClinVar variation 2749957 (VCV002749957.4), dbSNP rs1601701749, ClinGen allele CA411092321.

ClinVar aggregate classification (germline): Uncertain significance. Review status: criteria provided, multiple submitters, no conflicts (2 of 4 stars). 2 submissions from 2 submitters: Uncertain significance (2). Last evaluated 2025-05-11.

Conditions:
Hereditary cancer-predisposing syndrome. Also called: Neoplastic Syndromes, Hereditary; Hereditary Cancer Syndrome; Tumor predisposition; Hereditary neoplastic syndrome. Identifiers: Orphanet 140162, MedGen C0027672, MeSH D009386, MONDO:0015356.
Familial cancer of breast. Also called: BREAST CANCER, FAMILIAL; hereditary breast carcinoma; Hereditary breast cancer. Identifiers: Orphanet 227535, MedGen C0346153, MONDO:0016419, OMIM 114480. Disease mechanism: loss of function.

Submissions (2):

Ambry Genetics
Classification: Uncertain significance for Hereditary cancer-predisposing syndrome. Last evaluated: 2025-05-11. Review status: criteria provided, single submitter. Criteria: Ambry Variant Classification Scheme 2023. Collection method: clinical testing. Allele origin: germline.
Comment: The p.V511F variant (also known as c.1531G>T), located in coding exon 13 of the CHEK2 gene, results from a G to T substitution at nucleotide position 1531. The valine at codon 511 is replaced by phenylalanine, an amino acid with highly similar properties. This amino acid position is conserved. In addition, this alteration is predicted to be tolerated by in silico analysis. Based on the available evidence, the clinical significance of this variant remains unclear.

Labcorp Genetics (formerly Invitae), Labcorp
Classification: Uncertain significance for Familial cancer of breast. Last evaluated: 2024-10-28. Review status: criteria provided, single submitter. Criteria: Invitae Variant Classification Sherloc (09022015). Collection method: clinical testing. Allele origin: germline.
Comment: This sequence change replaces valine, which is neutral and non-polar, with phenylalanine, which is neutral and non-polar, at codon 511 of the CHEK2 protein (p.Val511Phe). This variant is not present in population databases (gnomAD no frequency). This variant has not been reported in the literature in individuals affected with CHEK2-related conditions. An algorithm developed to predict the effect of missense changes on protein structure and function outputs the following: PolyPhen-2: "Benign". The phenylalanine amino acid residue is found in multiple mammalian species, which suggests that this missense change does not adversely affect protein function. In summary, the available evidence is currently insufficient to determine the role of this variant in disease. Therefore, it has been classified as a Variant of Uncertain Significance.